The following is an entry in ClinVar:

NM_030665.4(RAI1):c.652_654del (p.Thr218del)

Gene: RAI1 (retinoic acid induced 1; plus strand). Cytogenetic location: 17p11.2.
Variant type: Deletion.
Coding change: c.652_654del on transcript NM_030665.4 (MANE Select); coding-DNA positions 652 to 654, 3 bases deleted (ACC; older notation c.652_654delACC).
Protein change: p.Thr218del; deletes threonine 218.
Molecular consequence: inframe deletion.
Genome position (GRCh38, 1-based): chr17:17,793,600-17,793,602, ACC deleted; deleting any 3 consecutive bases within chr17:17,793,598-17,793,602 gives the same sequence; the c. name uses the placement nearest the transcript's 3' end. VCF-style (leftmost placement, unchanged base first): chr17-17793597-CCCA-C. GRCh37 (hg19) VCF-style: chr17-17696911-CCCA-C.
Other names: short protein forms T218del.
Identifiers: ClinVar variation 3349618 (VCV003349618.1).
Genomic context (GRCh38, chr17:17,793,597, plus strand): 5'-ATTGCCTCCCCTCTGCCCTTCCCCCAGGGTACCCACTTTCCTCAGCATTCCCAGTCCTTC[CCCA>C]CCTCCTCCACCTACTCCTCCTCTGTCCAGGGTGGTGGGCAGGGGGCCCACTCCTATAAGA-3'

ClinVar aggregate classification (germline): Uncertain significance (0 of 4 stars; one submission).

Conditions:
RAI1-related disorder. Also called: RAI1-related condition.

Submission:

PreventionGenetics, part of Exact Sciences
Classification: Uncertain significance for RAI1-related condition. Last evaluated: 2024-02-01. Review status: no assertion criteria provided. Collection method: clinical testing. Allele origin: germline.
Comment: The RAI1 c.652_654delACC variant is predicted to result in an in-frame deletion (p.Thr218del). To our knowledge, this variant has not been reported in the literature or in a large population database, indicating this variant is rare. At this time, the clinical significance of this variant is uncertain due to the absence of conclusive functional and genetic evidence.